The following is an entry in ClinVar:

NM_004366.6(CLCN2):c.1912G>A (p.Ala638Thr)

Gene: CLCN2 (chloride voltage-gated channel 2; minus strand). Cytogenetic location: 3q27.1.
Variant type: single nucleotide variant.
Coding change: c.1912G>A on transcript NM_004366.6 (MANE Select); coding-DNA position 1912, G replaced by A.
Protein change: p.Ala638Thr; replaces alanine 638 with threonine.
Molecular consequence: missense variant.
Genome position (GRCh38, 1-based): chr3:184,353,366, C>T on the plus strand (G>A on the coding strand, the complement: CLCN2 is on the minus strand). VCF-style: chr3-184353366-C-T. GRCh37 (hg19) VCF-style: chr3-184071154-C-T.
Other names: c.1912G>A (NM_004366.4); c.1861G>A, p.Ala621Thr (NM_001171087.3); c.1780G>A, p.Ala594Thr (NM_001171088.3); c.1912G>A, p.Ala638Thr (NM_001171089.3); short protein forms A621T, A594T, A638T.
Identifiers: ClinVar variation 2584955 (VCV002584955.2), dbSNP rs753435184, ClinGen allele CA2733939.

ClinVar aggregate classification (germline): Uncertain significance. Review status: criteria provided, multiple submitters, no conflicts (2 of 4 stars). 2 submissions from 2 submitters: Uncertain significance (2). Last evaluated 2026-04-08.

Conditions:
Inborn genetic diseases. Identifiers: MedGen C0950123, MeSH D030342.
Familial hyperaldosteronism type II. Also called: FH II. Identifiers: Orphanet 404, MedGen C1854107, MONDO:0011576, OMIM 605635.

Allele frequency attached by ClinVar (database versions not stated): ExAC 0.00002.
gnomAD v4.1: 7 of 1,613,028 alleles (0.00043%); highest among the groups gnomAD compares: Middle Eastern, 0.017%; no homozygotes.

Submissions (2):

Ambry Genetics
Classification: Uncertain significance for Inborn genetic diseases. Last evaluated: 2026-04-08. Review status: criteria provided, single submitter. Criteria: Ambry Variant Classification Scheme 2023. Collection method: clinical testing. Allele origin: germline.
Comment: The c.1912G>A (p.A638T) alteration is located in exon 17 (coding exon 17) of the CLCN2 gene. This alteration results from a G to A substitution at nucleotide position 1912, causing the alanine (A) at amino acid position 638 to be replaced by a threonine (T). Based on data from gnomAD, the A allele has an overall frequency of 0.001% (3/249402) total alleles studied. The highest observed frequency was 0.01% (3/30608) of South Asian alleles. Based on insufficient or conflicting evidence, the clinical significance of this alteration remains unclear.

Neuberg Centre For Genomic Medicine, NCGM
Classification: Uncertain significance for Familial hyperaldosteronism type II. Review status: criteria provided, single submitter. Criteria: ACMG Guidelines, 2015. Collection method: clinical testing. Allele origin: germline. Inheritance: Autosomal dominant inheritance. Affected: yes.
Comment: The missense variant c.1912G>A (p.Ala638Thr) in CLCN2 gene has not been reported previously as a pathogenic variant nor as a benign variant, to our knowledge. This p.Ala638Thr variant has allele frequency of 0.0012% in the gnomAD and is novel (not in any individuals) in 1000 Genomes. This variant has not been reported to the ClinVar database. The amino acid Ala at position 638 is changed to a Thr changing protein sequence and it might alter its composition and physico-chemical properties. The amino acid change p.Ala638Thr in CLCN2 is predicted as conserved by GERP++ and PhyloP across 100 vertebrates. For these reasons, this variant has been classified as Uncertain Significance (VUS).